The following is an entry in ClinVar:

ClinVar aggregate classification (germline): Uncertain significance (1 of 4 stars; one submission).

gnomAD v4.1: 17 of 1,613,474 alleles (0.0011%); highest among the groups gnomAD compares: Non-Finnish European, 0.0013%; no homozygotes.

Submission:

Labcorp Genetics (formerly Invitae), Labcorp
Classification: Uncertain significance. Last evaluated: 2024-09-14. Review status: criteria provided, single submitter. Criteria: Invitae Variant Classification Sherloc (09022015). Collection method: clinical testing. Allele origin: germline.
Comment: This sequence change falls in intron 2 of the PPP3CA gene. It does not directly change the encoded amino acid sequence of the PPP3CA protein. It affects a nucleotide within the consensus splice site. This variant is present in population databases (no rsID available, gnomAD 0.0009%). This variant has not been reported in the literature in individuals affected with PPP3CA-related conditions. Variants that disrupt the consensus splice site are a relatively common cause of aberrant splicing (PMID: 17576681, 9536098). Algorithms developed to predict the effect of sequence changes on RNA splicing suggest that this variant is not likely to affect RNA splicing. In summary, the available evidence is currently insufficient to determine the role of this variant in disease. Therefore, it has been classified as a Variant of Uncertain Significance.

Literature cited by the submitters: PubMed 17576681; PubMed 9536098.

NM_000944.5(PPP3CA):c.259+4A>G

Gene: PPP3CA (protein phosphatase 3 catalytic subunit alpha; minus strand). Cytogenetic location: 4q24.
Variant type: single nucleotide variant.
Coding change: c.259+4A>G on transcript NM_000944.5 (MANE Select); 4 bases into the intron after coding-DNA position 259, A replaced by G.
Molecular consequence: intron variant.
Genome position (GRCh38, 1-based): chr4:101,195,912, T>C on the plus strand (A>G on the coding strand, the complement: PPP3CA is on the minus strand). VCF-style: chr4-101195912-T-C. GRCh37 (hg19) VCF-style: chr4-102117069-T-C.
Other names: c.259+4A>G (NM_001130692.2, NM_001130691.2).
Identifiers: ClinVar variation 3688523 (VCV003688523.2).